The following is an entry in ClinVar:

ClinVar aggregate classification (germline): Likely benign (0 of 4 stars; one submission).

Conditions:
CXCL12-related disorder. Also called: CXCL12-related condition.

Allele frequency attached by ClinVar (database versions not stated): 1000 Genomes Project 30x 0.00078; 1000 Genomes Project 0.00080; TOPMed 0.00208; ESP Exome Variant Server 0.00244; gnomAD 0.00259; gnomAD exomes 0.00361; ExAC 0.00397.
gnomAD v4.1: 5,609 of 1,598,376 alleles (0.35%); highest among the groups gnomAD compares: Non-Finnish European, 0.41%; 17 homozygotes.

Submission:

PreventionGenetics, part of Exact Sciences
Classification: Likely benign for CXCL12-related condition. Last evaluated: 2022-10-18. Review status: no assertion criteria provided. Collection method: clinical testing. Allele origin: germline.
Comment: This variant is classified as likely benign based on ACMG/AMP sequence variant interpretation guidelines (Richards et al. 2015 PMID: 25741868, with internal and published modifications).

NM_199168.4(CXCL12):c.*884A>G

Gene: CXCL12 (C-X-C motif chemokine ligand 12; minus strand). Cytogenetic location: 10q11.21.
Variant type: single nucleotide variant.
Coding change: c.*884A>G on transcript NM_199168.4 (MANE Select); 884 bases downstream of the stop codon, A replaced by G.
Molecular consequence: 3 prime UTR variant. On other transcripts: synonymous variant (1), intron variant (3).
Genome position (GRCh38, 1-based): chr10:44,377,749, T>C on the plus strand (A>G on the coding strand, the complement: CXCL12 is on the minus strand). VCF-style: chr10-44377749-T-C. GRCh37 (hg19) VCF-style: chr10-44873197-T-C.
Other names: c.423A>G, p.Ter141= (NM_001178134.2); c.109+3084A>G (NM_001277990.2); c.266+888A>G (NM_000609.7, NM_001033886.2).
Identifiers: ClinVar variation 3044678 (VCV003044678.2), dbSNP rs183966906, ClinGen allele CA5479099.